The following is an entry in ClinVar:

ClinVar aggregate classification (germline): Pathogenic (1 of 4 stars; one submission).

Conditions:
Familial adenomatous polyposis 1 (FAP1). Also called: FAMILIAL ADENOMATOUS POLYPOSIS 1, ATTENUATED; POLYPOSIS, ADENOMATOUS INTESTINAL. Identifiers: MedGen C2713442, MONDO:0021056, OMIM 175100. Disease mechanism: loss of function.

Submission:

Myriad Genetics, Inc.
Classification: Pathogenic for Familial adenomatous polyposis 1. Last evaluated: 2023-05-08. Review status: criteria provided, single submitter. Criteria: Myriad Autosomal Dominant, Autosomal Recessive and X-Linked Classification Criteria (2023). Collection method: clinical testing. Allele origin: unknown.
Comment: This variant is considered pathogenic. This variant creates a frameshift predicted to result in premature protein truncation.

NM_000038.6(APC):c.3187del (p.Ser1063fs)

Gene: APC (APC regulator of Wnt signaling pathway; plus strand). Cytogenetic location: 5q22.2.
Variant type: Deletion.
Coding change: c.3187del on transcript NM_000038.6 (MANE Select); coding-DNA position 3187, one base deleted (A; older notation c.3187delA).
Protein change: p.Ser1063fs; shifts the reading frame from serine 1063.
Molecular consequence: frameshift variant. On other transcripts: non-coding transcript variant (2).
Genome position (GRCh38, 1-based): chr5:112,838,781, A deleted; the last of 3 consecutive A bases (chr5:112,838,779-112,838,781); deleting any one gives the same sequence. VCF-style (leftmost placement, unchanged base first): chr5-112838778-CA-C. GRCh37 (hg19) VCF-style: chr5-112174475-CA-C.
Other names: c.3187del, p.Ser1063fs (NM_001127510.3, NM_001354895.2, NM_001407450.1); c.3133del, p.Ser1045fs (NM_001127511.3); c.3241del, p.Ser1081fs (NM_001354896.2, NM_001407447.1, NM_001407448.1 and 1 more transcripts); c.3217del, p.Ser1073fs (NM_001354897.2); c.3112del, p.Ser1038fs (NM_001354898.2); c.3103del, p.Ser1035fs (NM_001354899.2); c.3064del, p.Ser1022fs (NM_001354900.2); c.3010del, p.Ser1004fs (NM_001354901.2, NM_001407453.1); and 11 more; short protein forms S1004fs, S1022fs, S1035fs, S1038fs, S1045fs, S1053fs, S1056fs, S1063fs.
Identifiers: ClinVar variation 2584029 (VCV002584029.2), dbSNP rs1060503362, ClinGen allele CA2582341491.